The following is an entry in ClinVar:

NM_013450.4(BAZ2B):c.5454+3A>G

Gene: BAZ2B (bromodomain adjacent to zinc finger domain 2B; minus strand). Cytogenetic location: 2q24.2.
Variant type: single nucleotide variant.
Coding change: c.5454+3A>G on transcript NM_013450.4 (MANE Select); 3 bases into the intron after coding-DNA position 5454, A replaced by G.
Molecular consequence: intron variant.
Genome position (GRCh38, 1-based): chr2:159,347,483, T>C on the plus strand (A>G on the coding strand, the complement: BAZ2B is on the minus strand). VCF-style: chr2-159347483-T-C. GRCh37 (hg19) VCF-style: chr2-160203994-T-C.
Other names: c.5346+3A>G (NM_001289975.1); c.5292+3A>G (NM_001329857.2); c.5379+3A>G (NM_001329858.2).
Identifiers: ClinVar variation 4881886 (VCV004881886.2).

ClinVar aggregate classification (germline): Uncertain significance (1 of 4 stars; one submission).

Conditions:
Neurodevelopmental disorder. Identifiers: MedGen C1535926, MeSH D065886, MONDO:0700092.

gnomAD v4.1: 32 of 1,613,172 alleles (0.002%); highest among the groups gnomAD compares: African/African-American, 0.04%; no homozygotes.

Submission:

Dasa
Classification: Uncertain significance for neurodevelopmental disorder. Last evaluated: 2026-02-15. Review status: criteria provided, single submitter. Criteria: DASA Assertion Criteria. Collection method: clinical testing. Allele origin: germline.
Comment: NM_013450.4(BAZ2B):c.5454+3A>G is a splice-region variant. This variant is rare in population databases. Computational prediction algorithms are consistent with a deleterious effect. The currently available literature and clinical evidence are not sufficient to establish a definitive association between this variant and the reported condition. Therefore, this variant is classified as a variant of uncertain significance.